The following is an entry in ClinVar:

NM_024408.4(NOTCH2):c.4502A>G (p.Lys1501Arg)

Gene: NOTCH2 (notch receptor 2; minus strand). Cytogenetic location: 1p12.
Variant type: single nucleotide variant.
Coding change: c.4502A>G on transcript NM_024408.4 (MANE Select); coding-DNA position 4502, A replaced by G.
Protein change: p.Lys1501Arg; replaces lysine 1501 with arginine.
Molecular consequence: missense variant.
Genome position (GRCh38, 1-based): chr1:119,925,314, T>C on the plus strand (A>G on the coding strand, the complement: NOTCH2 is on the minus strand). VCF-style: chr1-119925314-T-C. GRCh37 (hg19) VCF-style: chr1-120467937-T-C.
Other names: short protein forms K1501R.
Identifiers: ClinVar variation 3368052 (VCV003368052.1).

ClinVar aggregate classification (germline): Uncertain significance (1 of 4 stars; one submission).

gnomAD v4.1: 1 of 1,613,856 alleles (0.000062%); highest among the groups gnomAD compares: Non-Finnish European, 0.000085%; no homozygotes.

Submission:

GeneDx
Classification: Uncertain significance. Last evaluated: 2024-01-24. Review status: criteria provided, single submitter. Criteria: GeneDx Variant Classification Process June 2021. Collection method: clinical testing. Allele origin: germline. Affected: yes.
Comment: Not observed at significant frequency in large population cohorts (gnomAD); In silico analysis supports that this missense variant does not alter protein structure/function; Has not been previously published as pathogenic or benign to our knowledge